The following is an entry in ClinVar:

NM_001303052.2(MYT1L):c.1542C>T (p.Thr514=)

Gene: MYT1L (myelin transcription factor 1 like; minus strand). Cytogenetic location: 2p25.3.
Variant type: single nucleotide variant.
Coding change: c.1542C>T on transcript NM_001303052.2 (MANE Select); coding-DNA position 1542, C replaced by T.
Protein change: p.Thr514=; no amino-acid change (threonine 514 retained).
Molecular consequence: synonymous variant.
Genome position (GRCh38, 1-based): chr2:1,917,281, G>A on the plus strand (C>T on the coding strand, the complement: MYT1L is on the minus strand). VCF-style: chr2-1917281-G-A. GRCh37 (hg19) VCF-style: chr2-1921053-G-A.
Other names: c.1542C>T, p.Thr514= (NM_001329844.2, NM_001329845.1, NM_001329851.3); c.1536C>T, p.Thr512= (NM_001329846.3, NM_001329847.2, NM_001329848.1 and 3 more transcripts).
Identifiers: ClinVar variation 4681876 (VCV004681876.5).

ClinVar aggregate classification (germline): Likely benign (1 of 4 stars; one submission).

gnomAD v4.1: 24 of 1,613,156 alleles (0.0015%); highest among the groups gnomAD compares: Admixed American, 0.02%; no homozygotes.

Submission:

CeGaT Center for Human Genetics Tuebingen
Classification: Likely benign. Last evaluated: 2025-12-01. Review status: criteria provided, single submitter. Criteria: CeGaT Center For Human Genetics Tuebingen Variant Classification Criteria Version 2. Collection method: clinical testing. Allele origin: germline. Affected: yes. Observed: 1 variant allele.
Comment: MYT1L: BP4, BP7